The following is an entry in ClinVar:

NM_000455.5(STK11):c.290+8T>C

Gene: STK11 (serine/threonine kinase 11; plus strand). Cytogenetic location: 19p13.3.
Variant type: single nucleotide variant.
Coding change: c.290+8T>C on transcript NM_000455.5 (MANE Select); 8 bases into the intron after coding-DNA position 290, T replaced by C.
Molecular consequence: intron variant.
Genome position (GRCh38, 1-based): chr19:1,207,211, T>C. VCF-style: chr19-1207211-T-C. GRCh37 (hg19) VCF-style: chr19-1207210-T-C.
Identifiers: ClinVar variation 630844 (VCV000630844.3), dbSNP rs1568690554, ClinGen allele CA913188934.
Genomic context (GRCh38, chr19:1,207,211, plus strand): 5'-CTCAAGAAGAAGAAGTTGCGAAGGATCCCCAACGGGGAGGCCAACGTGAAGAAGTAAGTA[T>C]GGCTTGCTGGGGTCGGGGCCGGGCCGGGCCAGTCACGGTGCTGATGGTTCTGTCTTCCTT-3'

ClinVar aggregate classification (germline): Likely benign. Review status: criteria provided, multiple submitters, no conflicts (2 of 4 stars). 2 submissions from 2 submitters: Likely benign (2). Last evaluated 2025-03-25.

Conditions:
Hereditary cancer-predisposing syndrome. Also called: Hereditary Cancer Syndrome; Neoplastic Syndromes, Hereditary; Tumor predisposition; Hereditary neoplastic syndrome. Identifiers: Orphanet 140162, MedGen C0027672, MeSH D009386, MONDO:0015356.
Peutz-Jeghers syndrome (PJS). Also called: Peutz-Jeghers polyposis; Periorificial lentiginosis syndrome; POLYPOSIS, HAMARTOMATOUS INTESTINAL; POLYPS-AND-SPOTS SYNDROME. Identifiers: Orphanet 2869, MedGen C0031269, MeSH D010580, MONDO:0008280, OMIM 175200.

Submissions (2):

Myriad Genetics, Inc.
Classification: Likely benign for Peutz-Jeghers syndrome. Last evaluated: 2025-03-25. Review status: criteria provided, single submitter. Criteria: Myriad Autosomal Dominant, Autosomal Recessive and X-Linked Classification Criteria (2023). Collection method: clinical testing. Allele origin: unknown.
Comment: This variant is considered likely benign. This variant is intronic and is not expected to impact mRNA splicing.

Color Diagnostics, LLC DBA Color Health
Classification: Likely benign for Hereditary cancer-predisposing syndrome. Last evaluated: 2017-11-21. Review status: criteria provided, single submitter. Criteria: ACMG Guidelines, 2015. Collection method: clinical testing. Allele origin: germline.